The following is an entry in ClinVar:

ClinVar aggregate classification (germline): Uncertain significance (1 of 4 stars; one submission).

Submission:

Dasa
Classification: Uncertain significance. Last evaluated: 2026-01-02. Review status: criteria provided, single submitter. Criteria: DASA Assertion Criteria. Collection method: clinical testing. Allele origin: germline.
Comment: NM_000016.6(ACADM):c.950A>G (p.Gln317Arg) is a missense variant that results in the substitution of glutamine with arginine. The affected residue or protein region has prior evidence supporting clinical relevance. This variant is rare in population databases. Computational prediction algorithms are consistent with a deleterious effect. The currently available literature and clinical evidence are not sufficient to establish a definitive association between this variant and the reported condition. Therefore, this variant is classified as a variant of uncertain significance.

NM_000016.6(ACADM):c.950A>G (p.Gln317Arg)

Gene: ACADM (acyl-CoA dehydrogenase medium chain; plus strand). Cytogenetic location: 1p31.1.
Variant type: single nucleotide variant.
Coding change: c.950A>G on transcript NM_000016.6 (MANE Select); coding-DNA position 950, A replaced by G.
Protein change: p.Gln317Arg; replaces glutamine 317 with arginine.
Molecular consequence: missense variant.
Genome position (GRCh38, 1-based): chr1:75,761,126, A>G. VCF-style: chr1-75761126-A-G. GRCh37 (hg19) VCF-style: chr1-76226811-A-G.
Other names: c.962A>G, p.Gln321Arg (NM_001127328.3); c.842A>G, p.Gln281Arg (NM_001286042.2); c.1049A>G, p.Gln350Arg (NM_001286043.2); c.383A>G, p.Gln128Arg (NM_001286044.2); short protein forms Q128R, Q281R, Q317R, Q321R, Q350R.
Identifiers: ClinVar variation 4885233 (VCV004885233.2).